The following is an entry in ClinVar:

NM_020366.4(RPGRIP1):c.3370T>C (p.Ser1124Pro)

Gene: RPGRIP1 (RPGR interacting protein 1; plus strand). Cytogenetic location: 14q11.2.
Variant type: single nucleotide variant.
Coding change: c.3370T>C on transcript NM_020366.4 (MANE Select); coding-DNA position 3370, T replaced by C.
Protein change: p.Ser1124Pro; replaces serine 1124 with proline.
Molecular consequence: missense variant.
Genome position (GRCh38, 1-based): chr14:21,343,066, T>C. VCF-style: chr14-21343066-T-C. GRCh37 (hg19) VCF-style: chr14-21811225-T-C.
Other names: c.3370T>C (NM_020366.3); c.1348T>C, p.Ser450Pro (NM_001377523.1, NM_001377950.1); c.2296T>C, p.Ser766Pro (NM_001377948.1); c.1456T>C, p.Ser486Pro (NM_001377949.1); c.853T>C, p.Ser285Pro (NM_001377951.1); short protein forms S1124P, S766P, S486P, S285P, S450P.
Identifiers: ClinVar variation 1348577 (VCV001348577.7), dbSNP rs2139337000, ClinGen allele CA388856827.

ClinVar aggregate classification (germline): Uncertain significance. Review status: criteria provided, multiple submitters, no conflicts (2 of 4 stars). 2 submissions from 2 submitters: Uncertain significance (2). Last evaluated 2025-07-31.

Conditions:
Leber congenital amaurosis 6 (LCA6). Identifiers: Orphanet 65, MedGen C1854260, MONDO:0013446, OMIM 613826.
Cone-rod dystrophy 13 (CORD13). Identifiers: Orphanet 1872, MedGen C2750720, MONDO:0011987, OMIM 608194.
Inborn genetic diseases. Identifiers: MedGen C0950123, MeSH D030342.

Submissions (2):

Ambry Genetics
Classification: Uncertain significance for Inborn genetic diseases. Last evaluated: 2025-07-31. Review status: criteria provided, single submitter. Criteria: Ambry Variant Classification Scheme 2023. Collection method: clinical testing. Allele origin: germline.

Labcorp Genetics (formerly Invitae), Labcorp
Classification: Uncertain significance for Leber congenital amaurosis 6; Cone-rod dystrophy 13. Last evaluated: 2022-07-25. Review status: criteria provided, single submitter. Criteria: Invitae Variant Classification Sherloc (09022015). Collection method: clinical testing. Allele origin: germline.
Comment: This sequence change replaces serine, which is neutral and polar, with proline, which is neutral and non-polar, at codon 1124 of the RPGRIP1 protein (p.Ser1124Pro). In summary, the available evidence is currently insufficient to determine the role of this variant in disease. Therefore, it has been classified as a Variant of Uncertain Significance. Algorithms developed to predict the effect of missense changes on protein structure and function are either unavailable or do not agree on the potential impact of this missense change (SIFT: "Deleterious"; PolyPhen-2: "Probably Damaging"; Align-GVGD: "Class C0"). This variant is not present in population databases (gnomAD no frequency). This variant has not been reported in the literature in individuals affected with RPGRIP1-related conditions. ClinVar contains an entry for this variant (Variation ID: 1348577).